The following is an entry in ClinVar:

ClinVar aggregate classification (germline): Uncertain significance (1 of 4 stars; one submission).

Conditions:
KBG syndrome (KBGS). Also called: ANKRD11-Related KBG Syndrome. Identifiers: Orphanet 2332, MedGen C0220687, MONDO:0007846, OMIM 148050.

Allele frequency attached by ClinVar (database versions not stated): gnomAD exomes below 0.00001; TOPMed below 0.00001.
gnomAD v4.1: 6 of 1,613,424 alleles (0.00037%); highest among the groups gnomAD compares: Admixed American, 0.0033%; no homozygotes.

Submission:

Labcorp Genetics (formerly Invitae), Labcorp
Classification: Uncertain significance for KBG syndrome. Last evaluated: 2024-12-09. Review status: criteria provided, single submitter. Criteria: Invitae Variant Classification Sherloc (09022015). Collection method: clinical testing. Allele origin: germline.
Comment: This sequence change replaces leucine, which is neutral and non-polar, with proline, which is neutral and non-polar, at codon 1934 of the ANKRD11 protein (p.Leu1934Pro). This variant is present in population databases (no rsID available, gnomAD 0.003%). This variant has not been reported in the literature in individuals affected with ANKRD11-related conditions. ClinVar contains an entry for this variant (Variation ID: 2716846). Invitae Evidence Modeling of protein sequence and biophysical properties (such as structural, functional, and spatial information, amino acid conservation, physicochemical variation, residue mobility, and thermodynamic stability) indicates that this missense variant is not expected to disrupt ANKRD11 protein function with a negative predictive value of 95%. In summary, the available evidence is currently insufficient to determine the role of this variant in disease. Therefore, it has been classified as a Variant of Uncertain Significance.

NM_013275.6(ANKRD11):c.5801T>C (p.Leu1934Pro)

Gene: ANKRD11 (ankyrin repeat domain 11; minus strand). Cytogenetic location: 16q24.3.
Variant type: single nucleotide variant.
Coding change: c.5801T>C on transcript NM_013275.6 (MANE Select); coding-DNA position 5801, T replaced by C.
Protein change: p.Leu1934Pro; replaces leucine 1934 with proline.
Molecular consequence: missense variant.
Genome position (GRCh38, 1-based): chr16:89,280,741, A>G on the plus strand (T>C on the coding strand, the complement: ANKRD11 is on the minus strand). VCF-style: chr16-89280741-A-G. GRCh37 (hg19) VCF-style: chr16-89347149-A-G.
Other names: c.5801T>C, p.Leu1934Pro (NM_001256182.2, NM_001256183.2); short protein forms L1934P.
Identifiers: ClinVar variation 2716846 (VCV002716846.3), dbSNP rs1213155146, ClinGen allele CA397152775.